The following is an entry in ClinVar:

ClinVar aggregate classification (germline): Uncertain significance (1 of 4 stars; one submission).

Conditions:
Malignant hyperthermia, susceptibility to, 5 (MHS5). Also called: CACNA1S-Related Malignant Hyperthermia Susceptibility. Identifiers: Orphanet 423, MedGen C1866077, MONDO:0011163, OMIM 601887.

Submission:

All of Us Research Program, National Institutes of Health
Classification: Uncertain significance for Malignant hyperthermia, susceptibility to, 5. Last evaluated: 2023-04-03. Review status: criteria provided, single submitter. Criteria: ACMG Guidelines, 2015. Collection method: clinical testing. Allele origin: germline. Inheritance: Autosomal dominant inheritance. Observed: 1 variant allele, 1 heterozygote.
Comment: This variant deletes 1 nucleotide in exon 44 of the CACNA1S gene, creating a frameshift and a premature stop signal in the last coding exon. The mutant transcript is expected to escape nonsense-mediated decay and be expressed as a truncated protein product. To our knowledge, functional studies have not been reported for this variant. To our knowledge, this variant has not been reported in individuals affected with CACNA1S-related disorders in the literature. This variant has been identified in 2/251334 chromosomes in the general population by the Genome Aggregation Database (gnomAD). The available evidence is insufficient to determine the role of this variant in disease conclusively. Therefore, this variant is classified as a Variant of Uncertain Significance.

This study involves interpretation of variants in research participants for the purpose of population health screening. Participant phenotype was not available at the time of variant classification. Additional details can be found in publication PMID: 35346344, PMCID: PMC8962531

NM_000069.3(CACNA1S):c.5516del (p.Pro1839fs)

Gene: CACNA1S (calcium voltage-gated channel subunit alpha1 S; minus strand). Cytogenetic location: 1q32.1.
Variant type: Deletion.
Coding change: c.5516del on transcript NM_000069.3 (MANE Select); coding-DNA position 5516, one base deleted (C; older notation c.5516delC).
Protein change: p.Pro1839fs; shifts the reading frame from proline 1839.
Molecular consequence: frameshift variant.
Genome position (GRCh38, 1-based): chr1:201,039,937, G deleted on the plus strand (C on the coding strand, the reverse complement: CACNA1S is on the minus strand); the first of 4 consecutive G bases (chr1:201,039,937-201,039,940); deleting any one gives the same sequence. VCF-style (leftmost placement, unchanged base first): chr1-201039936-TG-T. GRCh37 (hg19) VCF-style: chr1-201009064-TG-T.
Other names: short protein forms P1839fs.
Identifiers: ClinVar variation 3070225 (VCV003070225.1), dbSNP rs760958977, ClinGen allele CA083891.